The following is an entry in ClinVar:

ClinVar aggregate classification (germline): Uncertain significance (1 of 4 stars; one submission).

Conditions:
Primary ciliary dyskinesia. Also called: Ciliary dyskinesia. Identifiers: Orphanet 244, MedGen C0008780, MONDO:0016575, HP:0012265.

Allele frequency attached by ClinVar (database versions not stated): gnomAD exomes below 0.00001.
gnomAD v4.1: 10 of 1,257,366 alleles (0.0008%); highest among the groups gnomAD compares: African/African-American, 0.016%; no homozygotes.

Submission:

Ambry Genetics
Classification: Uncertain significance for Primary ciliary dyskinesia. Last evaluated: 2017-05-24. Review status: criteria provided, single submitter. Criteria: Ambry Variant Classification Scheme 2023. Collection method: clinical testing. Allele origin: germline.
Comment: The p.A442G variant (also known as c.1325C>G), located in coding exon 10 of the SPAG1 gene, results from a C to G substitution at nucleotide position 1325. The alanine at codon 442 is replaced by glycine, an amino acid with similar properties. This amino acid position is not well conserved in available vertebrate species. In addition, this alteration is predicted to be tolerated by in silico analysis. Since supporting evidence is limited at this time, the clinical significance of this alteration remains unclear.

NM_003114.5(SPAG1):c.1325C>G (p.Ala442Gly)

Genes: SPAG1 (sperm associated antigen 1; plus strand), LOC130000832 (ATAC-STARR-seq lymphoblastoid silent region 19412; plus strand). Cytogenetic location: 8q22.2.
Variant type: single nucleotide variant.
Coding change: c.1325C>G on transcript NM_003114.5 (MANE Select); coding-DNA position 1325, C replaced by G.
Protein change: p.Ala442Gly; replaces alanine 442 with glycine.
Molecular consequence: missense variant.
Genome position (GRCh38, 1-based): chr8:100,213,318, C>G. VCF-style: chr8-100213318-C-G. GRCh37 (hg19) VCF-style: chr8-101225546-C-G.
Other names: c.1325C>G, p.Ala442Gly (NM_001374321.1, NM_172218.3); short protein forms A442G.
Identifiers: ClinVar variation 1769990 (VCV001769990.2), dbSNP rs912680958, ClinGen allele CA182382968.